The following is an entry in ClinVar:

ClinVar aggregate classification (germline): Uncertain significance (1 of 4 stars; one submission).

Submission:

GeneDx
Classification: Uncertain significance. Last evaluated: 2024-04-07. Review status: criteria provided, single submitter. Criteria: GeneDx Variant Classification Process June 2021. Collection method: clinical testing. Allele origin: germline. Affected: yes.
Comment: Not observed at significant frequency in large population cohorts (gnomAD); In silico analysis indicates that this missense variant does not alter protein structure/function; Has not been previously published as pathogenic or benign to our knowledge

NM_004830.4(MED23):c.2368C>G (p.Leu790Val)

Gene: MED23 (mediator complex subunit 23; minus strand). Cytogenetic location: 6q23.2.
Variant type: single nucleotide variant.
Coding change: c.2368C>G on transcript NM_004830.4 (MANE Select); coding-DNA position 2368, C replaced by G.
Protein change: p.Leu790Val; replaces leucine 790 with valine.
Molecular consequence: missense variant. On other transcripts: intron variant (1).
Genome position (GRCh38, 1-based): chr6:131,598,614, G>C on the plus strand (C>G on the coding strand, the complement: MED23 is on the minus strand). VCF-style: chr6-131598614-G-C. GRCh37 (hg19) VCF-style: chr6-131919754-G-C.
Other names: c.2368C>G, p.Leu790Val (NM_001270521.2, NM_001270522.2, NM_001376519.1 and 2 more transcripts); c.2386C>G, p.Leu796Val (NM_001376517.1, NM_015979.4); c.2314C>G, p.Leu772Val (NM_001376518.1); c.2227C>G, p.Leu743Val (NM_001376520.1); c.2113C>G, p.Leu705Val (NM_001376523.1); c.2220+1424C>G (NM_001376524.1); short protein forms L705V, L743V, L772V, L790V, L796V.
Identifiers: ClinVar variation 3372214 (VCV003372214.1).